The following is an entry in ClinVar:

ClinVar aggregate classification (germline): Uncertain significance (1 of 4 stars; one submission).

Conditions:
Immunodeficiency. Identifiers: MedGen C0021051, MONDO:0021094, HP:0002721.

Submission:

Labcorp Genetics (formerly Invitae), Labcorp
Classification: Uncertain significance for Immunodeficiency. Last evaluated: 2024-01-05. Review status: criteria provided, single submitter. Criteria: Invitae Variant Classification Sherloc (09022015). Collection method: clinical testing. Allele origin: germline.
Comment: This sequence change replaces serine, which is neutral and polar, with cysteine, which is neutral and slightly polar, at codon 891 of the NFAT5 protein (p.Ser891Cys). This variant is not present in population databases (gnomAD no frequency). This variant has not been reported in the literature in individuals affected with NFAT5-related conditions. An algorithm developed to predict the effect of missense changes on protein structure and function (PolyPhen-2) suggests that this variant is likely to be tolerated. In summary, the available evidence is currently insufficient to determine the role of this variant in disease. Therefore, it has been classified as a Variant of Uncertain Significance.

NM_138713.4(NFAT5):c.2954C>G (p.Ser985Cys)

Gene: NFAT5 (nuclear factor of activated T cells 5; plus strand). Cytogenetic location: 16q22.1.
Variant type: single nucleotide variant.
Coding change: c.2954C>G on transcript NM_138713.4 (MANE Select); coding-DNA position 2954, C replaced by G.
Protein change: p.Ser985Cys; replaces serine 985 with cysteine.
Molecular consequence: missense variant.
Genome position (GRCh38, 1-based): chr16:69,692,779, C>G. VCF-style: chr16-69692779-C-G. GRCh37 (hg19) VCF-style: chr16-69726682-C-G.
Other names: c.2951C>G, p.Ser984Cys (NM_001113178.3); c.2279C>G, p.Ser760Cys (NM_001367709.1); c.2900C>G, p.Ser967Cys (NM_006599.4); c.2672C>G, p.Ser891Cys (NM_138714.4, NM_173214.3, NM_173215.3); short protein forms S984C, S985C, S967C, S760C, S891C.
Identifiers: ClinVar variation 2707704 (VCV002707704.3), dbSNP rs2544239399, ClinGen allele CA396511930.
Genomic context (GRCh38, chr16:69,692,779, plus strand): 5'-ATATGCAAATGCAGTGTGAATTGTTTTCTTCTCCTCCTGCAGTTTCTGGAAATGAAACTT[C>G]TACAACTACCACACAGCAGGTTGCAACCCCTGGCACTACCATGTTTCAGACATCAAGTTC-3'
Protein context (NP_619727.2, residues 975-995): SPPAVSGNET[Ser985Cys]TTTTQQVATP